The following is an entry in ClinVar:

NM_207391.3(RGS9BP):c.29T>A (p.Leu10Gln)

Gene: RGS9BP (regulator of G protein signaling 9 binding protein; plus strand). Cytogenetic location: 19q13.11.
Variant type: single nucleotide variant.
Coding change: c.29T>A on transcript NM_207391.3 (MANE Select); coding-DNA position 29, T replaced by A.
Protein change: p.Leu10Gln; replaces leucine 10 with glutamine.
Molecular consequence: missense variant.
Genome position (GRCh38, 1-based): chr19:32,676,292, T>A. VCF-style: chr19-32676292-T-A. GRCh37 (hg19) VCF-style: chr19-33167198-T-A.
Other names: short protein forms L10Q.
Identifiers: ClinVar variation 957242 (VCV000957242.7), dbSNP rs773412269, ClinGen allele CA9357483.

ClinVar aggregate classification (germline): Uncertain significance. Review status: criteria provided, multiple submitters, no conflicts (2 of 4 stars). 3 submissions from 3 submitters: Uncertain significance (3). Last evaluated 2025-08-03.

Allele frequency attached by ClinVar (database versions not stated): TOPMed 0.00006; gnomAD 0.00008 and 0.00009; gnomAD exomes 0.00014.

Submissions (3):

Ambry Genetics
Classification: Uncertain significance. Last evaluated: 2025-08-03. Review status: criteria provided, single submitter. Criteria: Ambry Variant Classification Scheme 2023. Collection method: clinical testing. Allele origin: germline.

Blueprint Genetics
Classification: Uncertain significance. Last evaluated: 2024-10-18. Review status: criteria provided, single submitter. Criteria: ACMG Guidelines, 2015. Collection method: clinical testing. Allele origin: germline.

Labcorp Genetics (formerly Invitae), Labcorp
Classification: Uncertain significance. Last evaluated: 2024-01-02. Review status: criteria provided, single submitter. Criteria: Invitae Variant Classification Sherloc (09022015). Collection method: clinical testing. Allele origin: germline.
Comment: This sequence change replaces leucine, which is neutral and non-polar, with glutamine, which is neutral and polar, at codon 10 of the RGS9BP protein (p.Leu10Gln). This variant is present in population databases (rs773412269, gnomAD 0.02%). This variant has not been reported in the literature in individuals affected with RGS9BP-related conditions. ClinVar contains an entry for this variant (Variation ID: 957242). An algorithm developed to predict the effect of missense changes on protein structure and function (PolyPhen-2) suggests that this variant is likely to be disruptive. In summary, the available evidence is currently insufficient to determine the role of this variant in disease. Therefore, it has been classified as a Variant of Uncertain Significance.